The following is an entry in ClinVar:

NM_002911.4(UPF1):c.1487C>T (p.Thr496Met)

Gene: UPF1 (UPF1 RNA helicase and ATPase; plus strand). Cytogenetic location: 19p13.11.
Variant type: single nucleotide variant.
Coding change: c.1487C>T on transcript NM_002911.4 (MANE Select); coding-DNA position 1487, C replaced by T.
Protein change: p.Thr496Met; replaces threonine 496 with methionine.
Molecular consequence: missense variant.
Genome position (GRCh38, 1-based): chr19:18,855,185, C>T. VCF-style: chr19-18855185-C-T. GRCh37 (hg19) VCF-style: chr19-18965994-C-T.
Other names: c.1520C>T, p.Thr507Met (NM_001297549.2); short protein forms T496M, T507M.
Identifiers: ClinVar variation 4855447 (VCV004855447.1).
Genomic context (GRCh38, chr19:18,855,185, plus strand): 5'-TTTATGCCGTGAAGACTGTGCTGCAAAGACCACTGAGCCTGATCCAGGGCCCGCCAGGCA[C>T]GGGGAAGACGGTGACGTCGGCCACCATCGTCTACCACCTGGCCCGGCAAGGCAACGGGTA-3'
Protein context (NP_002902.2, residues 486-506): PLSLIQGPPG[Thr496Met]GKTVTSATIV

ClinVar aggregate classification (germline): Uncertain significance (1 of 4 stars; one submission).

Conditions:
UPF1-related disorder. Also called: UPF1-related condition.

Submission:

3billion
Classification: Uncertain significance for UPF1-related disorder. Last evaluated: 2025-12-12. Review status: criteria provided, single submitter. Criteria: ACMG Guidelines, 2015. Collection method: clinical testing. Allele origin: germline. Affected: yes.
Comment: The variant is not observed in the gnomAD v4.1.0 dataset. Predicted Consequence/Location: Missense variant. In silico tool predictions suggest damaging effect of the variant on gene or gene product [REVEL: 0.87 (>=0.6, sensitivity 0.68 and specificity 0.92)]. The variant has been reported as of uncertain significance (PMID: 37393044). Therefore, this variant is classified as VUS according to the recommendation of ACMG/AMP guideline.